The following is an entry in ClinVar:

ClinVar aggregate classification (germline): Uncertain significance (1 of 4 stars; one submission).

Conditions:
Familial thoracic aortic aneurysm and aortic dissection (TAAD). Also called: Thoracic aortic aneurysms and dissections. Identifiers: Orphanet 91387, MedGen C4707243, MONDO:0019625.

Submission:

Ambry Genetics
Classification: Uncertain significance for Familial thoracic aortic aneurysm and aortic dissection. Last evaluated: 2022-06-14. Review status: criteria provided, single submitter. Criteria: Ambry Variant Classification Scheme 2023. Collection method: clinical testing. Allele origin: germline.
Comment: The p.N348H variant (also known as c.1042A>C), located in coding exon 9 of the PRKG1 gene, results from an A to C substitution at nucleotide position 1042. The asparagine at codon 348 is replaced by histidine, an amino acid with similar properties. This amino acid position is conserved. In addition, this alteration is predicted to be tolerated by in silico analysis. Since supporting evidence is limited at this time, the clinical significance of this alteration remains unclear.

NM_006258.4(PRKG1):c.1042A>C (p.Asn348His)

Gene: PRKG1 (protein kinase cGMP-dependent 1; plus strand). Cytogenetic location: 10q21.1.
Variant type: single nucleotide variant.
Coding change: c.1042A>C on transcript NM_006258.4 (MANE Select); coding-DNA position 1042, A replaced by C.
Protein change: p.Asn348His; replaces asparagine 348 with histidine.
Molecular consequence: missense variant. On other transcripts: 5 prime UTR variant (1).
Genome position (GRCh38, 1-based): chr10:52,161,929, A>C. VCF-style: chr10-52161929-A-C. GRCh37 (hg19) VCF-style: chr10-53921689-A-C.
Other names: c.997A>C, p.Asn333His (NM_001098512.3); c.-168A>C (NM_001374781.1); short protein forms N333H, N348H.
Identifiers: ClinVar variation 1774445 (VCV001774445.2), dbSNP rs1255563416, ClinGen allele CA376534519.